The following is an entry in ClinVar:

ClinVar aggregate classification (germline): Uncertain significance (1 of 4 stars; one submission).

Conditions:
Developmental and epileptic encephalopathy, 53. Also called: Epileptic encephalopathy, early infantile, 53. Identifiers: MedGen C4479313, MONDO:0033362, OMIM 617389.
Early-onset Parkinson disease 20. Also called: PARKINSON DISEASE 20, AUTOSOMAL RECESSIVE EARLY-ONSET. Identifiers: Orphanet 391411, MedGen C3809824, MONDO:0014233, OMIM 615530.

Submission:

Labcorp Genetics (formerly Invitae), Labcorp
Classification: Uncertain significance for Developmental and epileptic encephalopathy, 53; Early-onset Parkinson disease 20. Last evaluated: 2021-04-08. Review status: criteria provided, single submitter. Criteria: Invitae Variant Classification Sherloc (09022015). Collection method: clinical testing. Allele origin: germline.
Comment: In summary, the available evidence is currently insufficient to determine the role of this variant in disease. Therefore, it has been classified as a Variant of Uncertain Significance. Algorithms developed to predict the effect of missense changes on protein structure and function output the following: SIFT: "Tolerated"; PolyPhen-2: "Possibly Damaging"; Align-GVGD: "Class C0". The tyrosine amino acid residue is found in multiple mammalian species, suggesting that this missense change does not adversely affect protein function. These predictions have not been confirmed by published functional studies and their clinical significance is uncertain. This variant has not been reported in the literature in individuals with SYNJ1-related conditions. This variant is not present in population databases (ExAC no frequency). This sequence change replaces phenylalanine with tyrosine at codon 1609 of the SYNJ1 protein (p.Phe1609Tyr). The phenylalanine residue is moderately conserved and there is a small physicochemical difference between phenylalanine and tyrosine.

NM_203446.3(SYNJ1):c.*797T>A

Gene: SYNJ1 (synaptojanin 1; minus strand). Cytogenetic location: 21q22.11.
Variant type: single nucleotide variant.
Coding change: c.*797T>A on transcript NM_203446.3 (MANE Select); 797 bases downstream of the stop codon, T replaced by A.
Molecular consequence: 3 prime UTR variant. On other transcripts: missense variant (2).
Genome position (GRCh38, 1-based): chr21:32,631,008, A>T on the plus strand (T>A on the coding strand, the complement: SYNJ1 is on the minus strand). VCF-style: chr21-32631008-A-T. GRCh37 (hg19) VCF-style: chr21-34003318-A-T.
Other names: c.*797T>A (NM_001160302.2); c.4568T>A, p.Phe1523Tyr (NM_001160306.2); c.4826T>A, p.Phe1609Tyr (NM_003895.4); short protein forms F1523Y, F1609Y.
Identifiers: ClinVar variation 1495761 (VCV001495761.8), dbSNP rs2145653931, ClinGen allele CA410080405.